The following is an entry in ClinVar:

ClinVar aggregate classification (germline): Uncertain significance. Review status: criteria provided, multiple submitters, no conflicts (2 of 4 stars). 3 submissions from 3 submitters: Uncertain significance (3). Last evaluated 2025-02-27.

Submissions (3):

Mayo Clinic Laboratories, Mayo Clinic
Classification: Uncertain significance. Last evaluated: 2025-02-27. Review status: criteria provided, single submitter. Criteria: ACMG Guidelines, 2015. Collection method: clinical testing. Allele origin: germline. Observed: 1 variant allele.
Comment: BP4, PM2_supporting

Labcorp Genetics (formerly Invitae), Labcorp
Classification: Uncertain significance. Last evaluated: 2024-09-14. Review status: criteria provided, single submitter. Criteria: Invitae Variant Classification Sherloc (09022015). Collection method: clinical testing. Allele origin: germline.
Comment: This sequence change replaces threonine, which is neutral and polar, with alanine, which is neutral and non-polar, at codon 771 of the LRP5 protein (p.Thr771Ala). This variant is not present in population databases (gnomAD no frequency). This variant has not been reported in the literature in individuals affected with LRP5-related conditions. Invitae Evidence Modeling of protein sequence and biophysical properties (such as structural, functional, and spatial information, amino acid conservation, physicochemical variation, residue mobility, and thermodynamic stability) indicates that this missense variant is not expected to disrupt LRP5 protein function with a negative predictive value of 95%. In summary, the available evidence is currently insufficient to determine the role of this variant in disease. Therefore, it has been classified as a Variant of Uncertain Significance.

Blueprint Genetics
Classification: Uncertain significance. Last evaluated: 2019-02-19. Review status: criteria provided, single submitter. Criteria: ACMG Guidelines, 2015. Collection method: clinical testing. Allele origin: germline.

NM_002335.4(LRP5):c.2311A>G (p.Thr771Ala)

Gene: LRP5 (LDL receptor related protein 5; plus strand). Cytogenetic location: 11q13.2.
Variant type: single nucleotide variant.
Coding change: c.2311A>G on transcript NM_002335.4 (MANE Select); coding-DNA position 2311, A replaced by G.
Protein change: p.Thr771Ala; replaces threonine 771 with alanine.
Molecular consequence: missense variant.
Genome position (GRCh38, 1-based): chr11:68,410,133, A>G. VCF-style: chr11-68410133-A-G. GRCh37 (hg19) VCF-style: chr11-68177601-A-G.
Other names: p.Thr771Ala; c.568A>G, p.Thr190Ala (NM_001291902.2); short protein forms T190A, T771A.
Identifiers: ClinVar variation 3609391 (VCV003609391.4).